The following is an entry in ClinVar:

ClinVar aggregate classification (germline): Likely benign (0 of 4 stars; one submission).

Conditions:
VPS13B-related disorder. Also called: VPS13B-related condition.

Submission:

PreventionGenetics, part of Exact Sciences
Classification: Likely benign for VPS13B-related condition. Last evaluated: 2021-09-10. Review status: no assertion criteria provided. Collection method: clinical testing. Allele origin: germline.
Comment: This variant is classified as likely benign based on ACMG/AMP sequence variant interpretation guidelines (Richards et al. 2015 PMID: 25741868, with internal and published modifications).

NM_152564.5(VPS13B):c.7770T>C (p.Ala2590=)

Gene: VPS13B (vacuolar protein sorting 13 homolog B; plus strand). Cytogenetic location: 8q22.2.
Variant type: single nucleotide variant.
Coding change: c.7770T>C on transcript NM_152564.5 (MANE Select); coding-DNA position 7770, T replaced by C.
Protein change: p.Ala2590=; no amino-acid change (alanine 2590 retained).
Molecular consequence: synonymous variant.
Genome position (GRCh38, 1-based): chr8:99,779,022, T>C. VCF-style: chr8-99779022-T-C. GRCh37 (hg19) VCF-style: chr8-100791250-T-C.
Other names: c.7845T>C, p.Ala2615= (NM_017890.5).
Identifiers: ClinVar variation 3354827 (VCV003354827.1).